The following is an entry in ClinVar:

ClinVar aggregate classification (germline): Uncertain significance (1 of 4 stars; one submission).

Conditions:
SLIT2-related disorder. Also called: SLIT2-related condition.

Submission:

PreventionGenetics, part of Exact Sciences
Classification: Uncertain significance for SLIT2-related condition. Last evaluated: 2026-09-04. Review status: criteria provided, single submitter. Criteria: ACMG Guidelines, 2015. Collection method: clinical testing. Allele origin: germline.
Comment: The SLIT2 c.2519T>C variant is predicted to result in the amino acid substitution p.Val840Ala. To our knowledge, this variant has not been reported in the literature or in a large population database (gnomAD), indicating this variant is rare. At this time, the clinical significance of this variant is uncertain due to the absence of conclusive functional and genetic evidence.

NM_004787.4(SLIT2):c.2519T>C (p.Val840Ala)

Gene: SLIT2 (slit guidance ligand 2; plus strand). Cytogenetic location: 4p15.31.
Variant type: single nucleotide variant.
Coding change: c.2519T>C on transcript NM_004787.4 (MANE Select); coding-DNA position 2519, T replaced by C.
Protein change: p.Val840Ala; replaces valine 840 with alanine.
Molecular consequence: missense variant.
Genome position (GRCh38, 1-based): chr4:20,550,856, T>C. VCF-style: chr4-20550856-T-C. GRCh37 (hg19) VCF-style: chr4-20552479-T-C.
Other names: c.2507T>C, p.Val836Ala (NM_001289135.3); c.2495T>C, p.Val832Ala (NM_001289136.3); short protein forms V832A, V836A, V840A.
Identifiers: ClinVar variation 2632225 (VCV002632225.2), dbSNP rs2546591166, ClinGen allele CA356458150.